The following is an entry in ClinVar:

ClinVar aggregate classification (germline): Likely pathogenic. Review status: criteria provided, multiple submitters, no conflicts (2 of 4 stars). 2 submissions from 2 submitters: Likely pathogenic (2). Last evaluated 2023-12-12.

Conditions:
Neuronal ceroid lipofuscinosis. Also called: Neuronal Ceroid Lipofuscinoses. Identifiers: Orphanet 216, Orphanet 79263, MedGen C0027877, MONDO:0016295. Disease mechanism: loss of function.
Neuronal ceroid lipofuscinosis 3 (CLN3). Identifiers: Orphanet 228346, MedGen C0751383, MONDO:0008767, OMIM 204200.

Submissions (2):

Baylor Genetics
Classification: Likely pathogenic for Neuronal ceroid lipofuscinosis 3. Last evaluated: 2023-12-12. Review status: criteria provided, single submitter. Criteria: ACMG Guidelines, 2015. Collection method: clinical testing. Allele origin: unknown.

Labcorp Genetics (formerly Invitae), Labcorp
Classification: Likely pathogenic for Neuronal ceroid lipofuscinosis. Last evaluated: 2023-10-06. Review status: criteria provided, single submitter. Criteria: Invitae Variant Classification Sherloc (09022015). Collection method: clinical testing. Allele origin: germline.
Comment: This sequence change affects a donor splice site in intron 10 of the CLN3 gene. It is expected to disrupt RNA splicing. Variants that disrupt the donor or acceptor splice site typically lead to a loss of protein function (PMID: 16199547), and loss-of-function variants in CLN3 are known to be pathogenic (PMID: 9311735, 28542676). This variant is not present in population databases (gnomAD no frequency). This variant has not been reported in the literature in individuals affected with CLN3-related conditions. ClinVar contains an entry for this variant (Variation ID: 2131001). Algorithms developed to predict the effect of sequence changes on RNA splicing suggest that this variant may disrupt the consensus splice site. In summary, the currently available evidence indicates that the variant is pathogenic, but additional data are needed to prove that conclusively. Therefore, this variant has been classified as Likely Pathogenic.

Literature cited by the submitters: PubMed 16199547 (cited by Labcorp Genetics (formerly Invitae), Labcorp); PubMed 9311735 (cited by Labcorp Genetics (formerly Invitae), Labcorp); PubMed 28542676 (cited by Labcorp Genetics (formerly Invitae), Labcorp).

NM_001042432.2(CLN3):c.790+1G>A

Gene: CLN3 (CLN3 lysosomal/endosomal transmembrane protein, battenin; minus strand). Cytogenetic location: 16p12.1.
Variant type: single nucleotide variant.
Coding change: c.790+1G>A on transcript NM_001042432.2 (MANE Select); the canonical splice donor site of the intron after coding-DNA position 790, G replaced by A.
Molecular consequence: splice donor variant.
Genome position (GRCh38, 1-based): chr16:28,484,005, C>T on the plus strand (G>A on the coding strand, the complement: CLN3 is on the minus strand). VCF-style: chr16-28484005-C-T. GRCh37 (hg19) VCF-style: chr16-28495326-C-T.
Other names: c.556+1G>A (NM_001286109.2); c.718+1G>A (NM_001286104.2); c.490+1G>A (NM_001286105.2); c.628+1G>A (NM_001286110.2); c.790+1G>A (NM_000086.2).
Identifiers: ClinVar variation 2131001 (VCV002131001.5), dbSNP rs1393064503, ClinGen allele CA395344686.